The following is an entry in ClinVar:

ClinVar aggregate classification (germline): Likely pathogenic (1 of 4 stars; one submission).

Conditions:
Leukodystrophy, hypomyelinating, 10. Also called: PYCR2-related microcephaly-progressive leukoencephalopathy. Identifiers: Orphanet 481152, MedGen C4225332, MONDO:0014632, OMIM 616420.

Submission:

Breakthrough Genomics
Classification: Likely pathogenic for Leukodystrophy, hypomyelinating, 10. Last evaluated: 2020-10-17. Review status: criteria provided, single submitter. Criteria: ACMG Guidelines, 2015. Collection method: clinical testing. Allele origin: germline. Affected: yes.
Comment: This variant is predicted to be damaging by in-silico missense prediction tool (Polyphen2). The variant seems to be a novel variant, as it has not been previously reported in population or public databases or in the literature. Several missense mutations lying in the vicinity of the identified variant (p.Cys232Gly, p.Ser233Ala, p.Glu221Ala, p.Thr238Ala) in the dimerization domain of the protein predicted to impair protein multimerization [PMID: 27130255].

NM_013328.4(PYCR2):c.686A>G (p.Asp229Gly)

Gene: PYCR2 (pyrroline-5-carboxylate reductase 2; minus strand). Cytogenetic location: 1q42.12.
Variant type: single nucleotide variant.
Coding change: c.686A>G on transcript NM_013328.4 (MANE Select); coding-DNA position 686, A replaced by G.
Protein change: p.Asp229Gly; replaces aspartic acid 229 with glycine.
Molecular consequence: missense variant.
Genome position (GRCh38, 1-based): chr1:225,921,319, T>C on the plus strand (A>G on the coding strand, the complement: PYCR2 is on the minus strand). VCF-style: chr1-225921319-T-C. GRCh37 (hg19) VCF-style: chr1-226109019-T-C.
Other names: p.Asp229Gly; c.464A>G, p.Asp155Gly (NM_001271681.2); short protein forms D155G, D229G.
Identifiers: ClinVar variation 3255598 (VCV003255598.2).